The following is an entry in ClinVar:

NM_014391.3(ANKRD1):c.695A>G (p.Tyr232Cys)

Gene: ANKRD1 (ankyrin repeat domain 1; minus strand). Cytogenetic location: 10q23.31.
Variant type: single nucleotide variant.
Coding change: c.695A>G on transcript NM_014391.3 (MANE Select); coding-DNA position 695, A replaced by G.
Protein change: p.Tyr232Cys; replaces tyrosine 232 with cysteine.
Molecular consequence: missense variant.
Genome position (GRCh38, 1-based): chr10:90,915,837, T>C on the plus strand (A>G on the coding strand, the complement: ANKRD1 is on the minus strand). VCF-style: chr10-90915837-T-C. GRCh37 (hg19) VCF-style: chr10-92675594-T-C.
Other names: short protein forms Y232C.
Identifiers: ClinVar variation 1756307 (VCV001756307.2), dbSNP rs1847364203, ClinGen allele CA377550335.

ClinVar aggregate classification (germline): Uncertain significance (1 of 4 stars; one submission).

Conditions:
Cardiovascular phenotype. Identifiers: MedGen CN230736.

Allele frequency attached by ClinVar (database versions not stated): gnomAD exomes below 0.00001; gnomAD 0.00001.
gnomAD v4.1: 2 of 1,613,296 alleles (0.00012%); highest among the groups gnomAD compares: South Asian, 0.0011%; no homozygotes.

Submission:

Ambry Genetics
Classification: Uncertain significance for Cardiovascular phenotype. Last evaluated: 2021-11-04. Review status: criteria provided, single submitter. Criteria: Ambry Variant Classification Scheme 2023. Collection method: clinical testing. Allele origin: germline.
Comment: The p.Y232C variant (also known as c.695A>G), located in coding exon 7 of the ANKRD1 gene, results from an A to G substitution at nucleotide position 695. The tyrosine at codon 232 is replaced by cysteine, an amino acid with highly dissimilar properties. This amino acid position is conserved. In addition, this alteration is predicted to be tolerated by in silico analysis. Since supporting evidence is limited at this time, the clinical significance of this alteration remains unclear.